The following is an entry in ClinVar:

NM_000051.4(ATM):c.3832G>A (p.Asp1278Asn)

Gene: ATM (ATM serine/threonine kinase; plus strand). Cytogenetic location: 11q22.3.
Variant type: single nucleotide variant.
Coding change: c.3832G>A on transcript NM_000051.4 (MANE Select); coding-DNA position 3832, G replaced by A.
Protein change: p.Asp1278Asn; replaces aspartic acid 1278 with asparagine.
Molecular consequence: missense variant.
Genome position (GRCh38, 1-based): chr11:108,284,312, G>A. VCF-style: chr11-108284312-G-A. GRCh37 (hg19) VCF-style: chr11-108155039-G-A.
Other names: p.D1278N:GAC>AAC; c.3832G>A, p.Asp1278Asn (NM_001351834.2); short protein forms D1278N.
Identifiers: ClinVar variation 181951 (VCV000181951.24), dbSNP rs730881365, ClinGen allele CA298229.
Genomic context (GRCh38, chr11:108,284,312, plus strand): 5'-CATCTGGTGATTAGAAGTCATTTTGATGAGGTGAAGTCCATTGCTAATCAGATTCAAGAG[G>A]ACTGGAAAAGTCTTCTAACAGACTGCTTTCCAAAGATTCTTGTAAATATTCTTCCTTATT-3'
Protein context (NP_000042.3, residues 1268-1288): VKSIANQIQE[Asp1278Asn]WKSLLTDCFP

ClinVar aggregate classification (germline): Uncertain significance. Review status: criteria provided, multiple submitters, no conflicts (2 of 4 stars). 8 submissions from 8 submitters: Uncertain significance (6). 2 of the submissions do not count toward it. Last evaluated 2025-04-13.

Conditions:
Hereditary cancer-predisposing syndrome. Also called: Tumor predisposition; Hereditary Cancer Syndrome; Hereditary neoplastic syndrome; Neoplastic Syndromes, Hereditary. Identifiers: Orphanet 140162, MedGen C0027672, MeSH D009386, MONDO:0015356.
Familial cancer of breast. Also called: BREAST CANCER, FAMILIAL; hereditary breast carcinoma; Hereditary breast cancer. Identifiers: Orphanet 227535, MedGen C0346153, MONDO:0016419, OMIM 114480. Disease mechanism: loss of function.
Ataxia-telangiectasia syndrome (AT). Also called: LOUIS-BAR SYNDROME; Cerebello-oculocutaneous telangiectasia; Immunodeficiency with ataxia telangiectasia; ATAXIA-TELANGIECTASIA, COMPLEMENTATION GROUP A; ATAXIA-TELANGIECTASIA, FRESNO VARIANT; Ataxia-telangiectasia. Identifiers: Orphanet 100, MedGen C0004135, MONDO:0008840, OMIM 208900.

Allele frequency attached by ClinVar (database versions not stated): gnomAD exomes below 0.00001; gnomAD 0.00001; TOPMed 0.00001.
gnomAD v4.1: 7 of 1,613,790 alleles (0.00043%); highest among the groups gnomAD compares: African/African-American, 0.0013%; no homozygotes.

Submissions (8):

Ambry Genetics
Classification: Uncertain significance for Hereditary cancer-predisposing syndrome. Last evaluated: 2025-04-13. Review status: criteria provided, single submitter. Criteria: Ambry Variant Classification Scheme 2023. Collection method: clinical testing. Allele origin: germline.
Comment: The p.D1278N variant (also known as c.3832G>A), located in coding exon 25 of the ATM gene, results from a G to A substitution at nucleotide position 3832. The aspartic acid at codon 1278 is replaced by asparagine, an amino acid with highly similar properties. This amino acid position is well conserved in available vertebrate species. In addition, this alteration is predicted to be tolerated by in silico analysis. Since supporting evidence is limited at this time, the clinical significance of this alteration remains unclear.

Color Diagnostics, LLC DBA Color Health
Classification: Uncertain significance for Hereditary cancer-predisposing syndrome. Last evaluated: 2024-04-30. Review status: criteria provided, single submitter. Criteria: ACMG Guidelines, 2015. Collection method: clinical testing. Allele origin: germline.
Comment: This missense variant replaces aspartic acid with asparagine at codon 1278 of the ATM protein. Computational prediction suggests that this variant may not impact protein structure and function. To our knowledge, functional studies have not been reported for this variant. This variant has been reported in an individual affected with hereditary breast and ovarian cancer in the literature (PMID: 29522266). This variant has been identified in 1/31388 chromosomes in the general population by the Genome Aggregation Database (gnomAD). The available evidence is insufficient to determine the role of this variant in disease conclusively. Therefore, this variant is classified as a Variant of Uncertain Significance.

Labcorp Genetics (formerly Invitae), Labcorp
Classification: Uncertain significance for Ataxia-telangiectasia syndrome. Last evaluated: 2024-04-16. Review status: criteria provided, single submitter. Criteria: Invitae Variant Classification Sherloc (09022015). Collection method: clinical testing. Allele origin: germline.
Comment: This sequence change replaces aspartic acid, which is acidic and polar, with asparagine, which is neutral and polar, at codon 1278 of the ATM protein (p.Asp1278Asn). This variant is present in population databases (rs730881365, gnomAD 0.01%). This variant has not been reported in the literature in individuals affected with ATM-related conditions. ClinVar contains an entry for this variant (Variation ID: 181951). An algorithm developed to predict the effect of missense changes on protein structure and function (PolyPhen-2) suggests that this variant¬†is likely to be tolerated. In summary, the available evidence is currently insufficient to determine the role of this variant in disease. Therefore, it has been classified as a Variant of Uncertain Significance.

Baylor Genetics
Classification: Uncertain significance for Familial cancer of breast. Last evaluated: 2023-10-16. Review status: criteria provided, single submitter. Criteria: ACMG Guidelines, 2015. Collection method: clinical testing. Allele origin: unknown.

Genetic Services Laboratory, University of Chicago
Classification: Uncertain significance. Last evaluated: 2021-06-10. Review status: criteria provided, single submitter. Criteria: ACMG Guidelines, 2015. Collection method: clinical testing. Allele origin: germline. Affected: no.
Comment: DNA sequence analysis of the ATM gene demonstrated a sequence change, c.3832G>A, in exon 26 that results in an amino acid change, p.Asp1278Asn. This sequence change has been described in the gnomAD database with a frequency of 0.012% in the African/African American subpopulation (dbSNP rs730881365). The p.Asp1278Asn change affects a highly conserved amino acid residue located in a domain of the ATM protein that is known to be functional. In-silico pathogenicity prediction tools (SIFT, PolyPhen2, Align GVGD, REVEL) provide contradictory results for the p.Asp1278Asn substitution. This sequence change does not appear to have been previously described in patients with ATM-related disorders. Due to insufficient evidences and the lack of functional studies, the clinical significance of the p.Asp1278Asn change remains unknown at this time

GeneDx
Classification: Uncertain significance. Last evaluated: 2016-10-27. Review status: criteria provided, single submitter. Criteria: GeneDx Variant Classification (06012015). Collection method: clinical testing. Allele origin: germline. Affected: yes.
Comment: This variant is denoted ATM c.3832G>A at the cDNA level, p.Asp1278Asn (D1278N) at the protein level, and results in the change of an Aspartic Acid to an Asparagine (GAC>AAC). This variant has not, to our knowledge, been published in the literature as pathogenic or benign. ATM Asp1278Asn was not observed in approximately 6,500 individuals of European and African American ancestry in the NHLBI Exome Sequencing Project, suggesting it is not a common benign variant in these populations. Since Aspartic Acid and Asparagine differ in some properties, this is considered a semi-conservative amino acid substitution. ATM Asp1278Asn occurs at a position that is not conserved and is not located in a known functional domain (Tavtigian 2009, Stracker 2013). In silico analyses predict that this variant is probably damaging to protein structure and function. Based on currently available information, it is unclear whether ATM Asp1278Asn is pathogenic or benign. We consider it to be a variant of uncertain significance.

Natera, Inc.
Classification: Uncertain significance for Ataxia-telangiectasia. Last evaluated: 2020-09-16. Review status: no assertion criteria provided. Collection method: clinical testing. Allele origin: germline. Not counted in ClinVar's aggregate classification.

Counsyl
Classification: Uncertain significance for Ataxia-telangiectasia syndrome. Last evaluated: 2017-10-17. Review status: no assertion criteria provided. Collection method: clinical testing. Allele origin: unknown. Not counted in ClinVar's aggregate classification.

Literature cited by the submitters: PubMed 29522266 (cited by Ambry Genetics and Color Diagnostics, LLC DBA Color Health).